The following is an entry in ClinVar:

NM_001371279.1(REEP1):c.32+112G>T

Gene: REEP1 (receptor accessory protein 1; minus strand). Cytogenetic location: 2p11.2.
Variant type: single nucleotide variant.
Coding change: c.32+112G>T on transcript NM_001371279.1 (MANE Select); 112 bases into the intron after coding-DNA position 32, G replaced by T.
Molecular consequence: intron variant.
Genome position (GRCh38, 1-based): chr2:86,337,367, C>A on the plus strand (G>T on the coding strand, the complement: REEP1 is on the minus strand). VCF-style: chr2-86337367-C-A. GRCh37 (hg19) VCF-style: chr2-86564490-C-A.
Other names: c.53+657G>T (NM_001164730.2); c.24+112G>T (NM_001164731.2); c.32+112G>T (NM_001164732.2, NM_001371280.1, NM_022912.3).
Identifiers: ClinVar variation 673481 (VCV000673481.2), dbSNP rs145022978, ClinGen allele CA51489992.

ClinVar aggregate classification (germline): Benign. Review status: criteria provided, multiple submitters, no conflicts (2 of 4 stars). 2 submissions from 2 submitters: Benign (2). Last evaluated 2018-06-16.

Allele frequency attached by ClinVar (database versions not stated): gnomAD 0.08868 and 0.09517; TOPMed 0.09922; 1000 Genomes Project 0.09944; 1000 Genomes Project 30x 0.10290.

Submissions (2):

GeneDx
Classification: Benign. Last evaluated: 2018-06-16. Review status: criteria provided, single submitter. Criteria: GeneDx Variant Classification (06012015). Collection method: clinical testing. Allele origin: germline. Affected: yes.
Comment: This variant is considered likely benign or benign based on one or more of the following criteria: it is a conservative change, it occurs at a poorly conserved position in the protein, it is predicted to be benign by multiple in silico algorithms, and/or has population frequency not consistent with disease.

Breakthrough Genomics
Classification: Benign. Review status: criteria provided, single submitter. Criteria: ACMG Guidelines, 2015. Collection method: not provided. Allele origin: germline. Inheritance: Autosomal recessive inheritance. Affected: yes.